The following is an entry in ClinVar:

NM_001626.6(AKT2):c.175+4T>C

Gene: AKT2 (AKT serine/threonine kinase 2; minus strand). Cytogenetic location: 19q13.2.
Variant type: single nucleotide variant.
Coding change: c.175+4T>C on transcript NM_001626.6 (MANE Select); 4 bases into the intron after coding-DNA position 175, T replaced by C.
Molecular consequence: intron variant.
Genome position (GRCh38, 1-based): chr19:40,256,922, A>G on the plus strand (T>C on the coding strand, the complement: AKT2 is on the minus strand). VCF-style: chr19-40256922-A-G. GRCh37 (hg19) VCF-style: chr19-40762829-A-G.
Other names: c.-12+4T>C (NM_001243028.3, NM_001243027.3); c.175+4T>C (NM_001330511.1).
Identifiers: ClinVar variation 4279722 (VCV004279722.1).

ClinVar aggregate classification (germline): Uncertain significance (1 of 4 stars; one submission).

Conditions:
Hypoinsulinemic hypoglycemia and body hemihypertrophy. Also called: Hypoinsulinemic hypoglycemia and hemihypertrophy. Identifiers: Orphanet 293964, MedGen C3278384, MONDO:0009416, OMIM 240900.

gnomAD v4.1: 1 of 1,613,868 alleles (0.000062%); highest among the groups gnomAD compares: Non-Finnish European, 0.000085%; no homozygotes.

Submission:

Clinical Genomics Laboratory, Washington University in St. Louis
Classification: Uncertain significance for Hypoinsulinemic hypoglycemia and body hemihypertrophy. Last evaluated: 2025-01-14. Review status: criteria provided, single submitter. Criteria: ACMG Guidelines, 2015. Collection method: clinical testing. Allele origin: germline.
Comment: An AKT2 c.175+4T>C variant was identified at a near heterozygous allelic fraction of 45.5%, a frequency which may be consistent with it being of germline origin. This variant, to our knowledge, has not been reported in the medical literature or in the ClinVar database. This variant is only observed on 1/1,613,868 alleles in the general population (gnomAD v4.1.0), indicating it is not a common variant. Computational predictors indicate that the variant has no impact on splicing, evidence that this variant may not have a damaging effect on AKT2 function. Due to conflicting information, and based on ACMG/AMP guidelines for variant interpretation (Richards S et al., PMID: 25741868), the clinical significance of the AKT2 c.175+4T>C variant is uncertain at this time.